The following is an entry in ClinVar:

NM_001939.3(DRP2):c.1069C>T (p.Pro357Ser)

Gene: DRP2 (dystrophin related protein 2; plus strand). Cytogenetic location: Xq22.1.
Variant type: single nucleotide variant.
Coding change: c.1069C>T on transcript NM_001939.3 (MANE Select); coding-DNA position 1069, C replaced by T.
Protein change: p.Pro357Ser; replaces proline 357 with serine.
Molecular consequence: missense variant.
Genome position (GRCh38, 1-based): chrX:101,245,031, C>T. VCF-style: chrX-101245031-C-T. GRCh37 (hg19) VCF-style: chrX-100500020-C-T.
Other names: c.835C>T, p.Pro279Ser (NM_001171184.2); short protein forms P279S, P357S.
Identifiers: ClinVar variation 4742452 (VCV004742452.1).

ClinVar aggregate classification (germline): Uncertain significance (1 of 4 stars; one submission).

Submission:

Labcorp Genetics (formerly Invitae), Labcorp
Classification: Uncertain significance. Last evaluated: 2025-03-04. Review status: criteria provided, single submitter. Criteria: Invitae Variant Classification Sherloc (09022015). Collection method: clinical testing. Allele origin: germline.
Comment: This sequence change replaces proline, which is neutral and non-polar, with serine, which is neutral and polar, at codon 357 of the DRP2 protein (p.Pro357Ser). This variant is not present in population databases (gnomAD no frequency). This variant has not been reported in the literature in individuals affected with DRP2-related conditions. Invitae Evidence Modeling of protein sequence and biophysical properties (such as structural, functional, and spatial information, amino acid conservation, physicochemical variation, residue mobility, and thermodynamic stability) has been performed for this missense variant. However, the output from this modeling did not meet the statistical confidence thresholds required to predict the impact of this variant on DRP2 protein function. In summary, the available evidence is currently insufficient to determine the role of this variant in disease. Therefore, it has been classified as a Variant of Uncertain Significance.